The following is an entry in ClinVar:

NM_001001670.3(SPATA31D1):c.3864A>T (p.Pro1288=)

Gene: SPATA31D1 (SPATA31 subfamily D member 1; plus strand). Cytogenetic location: 9q21.32.
Variant type: single nucleotide variant.
Coding change: c.3864A>T on transcript NM_001001670.3 (MANE Select); coding-DNA position 3864, A replaced by T.
Protein change: p.Pro1288=; no amino-acid change (proline 1288 retained).
Molecular consequence: synonymous variant.
Genome position (GRCh38, 1-based): chr9:81,994,334, A>T. VCF-style: chr9-81994334-A-T. GRCh37 (hg19) VCF-style: chr9-84609249-A-T.
Identifiers: ClinVar variation 3024743 (VCV003024743.22), dbSNP rs116948895, ClinGen allele CA5099624.

ClinVar aggregate classification (germline): Benign (1 of 4 stars; one submission).

Allele frequency attached by ClinVar (database versions not stated): 1000 Genomes Project 30x 0.00531; 1000 Genomes Project 0.00599; ESP Exome Variant Server 0.00745.
gnomAD v4.1: 14,799 of 1,613,906 alleles (0.92%); highest among the groups gnomAD compares: Middle Eastern, 2.3%; 94 homozygotes.

Submission:

CeGaT Center for Human Genetics Tuebingen
Classification: Benign. Last evaluated: 2024-02-01. Review status: criteria provided, single submitter. Criteria: CeGaT Center For Human Genetics Tuebingen Variant Classification Criteria Version 2. Collection method: clinical testing. Allele origin: germline. Affected: yes. Observed: 1 variant allele.
Comment: SPATA31D1: BP4, BP7, BS1, BS2